The following is an entry in ClinVar:

NM_000059.4(BRCA2):c.2035A>G (p.Asn679Asp)

Gene: BRCA2 (BRCA2 DNA repair associated; plus strand). Cytogenetic location: 13q13.1.
Variant type: single nucleotide variant.
Coding change: c.2035A>G on transcript NM_000059.4 (MANE Select); coding-DNA position 2035, A replaced by G.
Protein change: p.Asn679Asp; replaces asparagine 679 with aspartic acid.
Molecular consequence: missense variant.
Genome position (GRCh38, 1-based): chr13:32,336,390, A>G. VCF-style: chr13-32336390-A-G. GRCh37 (hg19) VCF-style: chr13-32910527-A-G.
Other names: short protein forms N679D.
Identifiers: ClinVar variation 531243 (VCV000531243.16), dbSNP rs786202617, ClinGen allele CA387768900.

ClinVar aggregate classification (germline): Conflicting classifications of pathogenicity. Review status: criteria provided, conflicting classifications (1 of 4 stars). 4 submissions from 4 submitters: Uncertain significance (3); Likely benign (1). Last evaluated 2024-07-01.

Conditions:
Hereditary breast ovarian cancer syndrome. Also called: Hereditary breast and ovarian cancer syndrome (HBOC); Hereditary breast and/or ovarian cancer syndrome; Hereditary breast and ovarian cancer; Breast and ovarian cancer; Hereditary breast and ovarian cancer syndrome; BRCA1- and BRCA2-Associated Hereditary Breast and Ovarian Cancer. Identifiers: Orphanet 145, MedGen C0677776, MeSH D061325, MONDO:0003582. Disease mechanism: loss of function.
Fanconi anemia complementation group D1. Also called: BRCA2-Related Fanconi Anemia. Identifiers: Orphanet 319462, MedGen C1838457, MONDO:0011584, OMIM 605724.
Hereditary cancer-predisposing syndrome. Also called: Tumor predisposition; Hereditary neoplastic syndrome; Neoplastic Syndromes, Hereditary; Hereditary Cancer Syndrome. Identifiers: Orphanet 140162, MedGen C0027672, MeSH D009386, MONDO:0015356.

gnomAD v4.1: 1 of 1,612,810 alleles (0.000062%); highest among the groups gnomAD compares: Non-Finnish European, 0.000085%; no homozygotes.

Submissions (4):

Color Diagnostics, LLC DBA Color Health
Classification: Uncertain significance for Hereditary cancer-predisposing syndrome. Last evaluated: 2024-07-01. Review status: criteria provided, single submitter. Criteria: ACMG Guidelines, 2015. Collection method: clinical testing. Allele origin: germline.
Comment: This missense variant replaces asparagine with aspartic acid at codon 679 of the BRCA2 protein. Computational prediction suggests that this variant may not impact protein structure and function. To our knowledge, functional studies have not been reported for this variant. This variant has not been reported in individuals affected with BRCA2-related disorders in the literature. This variant has not been identified in the general population by the Genome Aggregation Database (gnomAD). The available evidence is insufficient to determine the role of this variant in disease conclusively. Therefore, this variant is classified as a Variant of Uncertain Significance.

Ambry Genetics
Classification: Uncertain significance for Hereditary cancer-predisposing syndrome. Last evaluated: 2024-05-19. Review status: criteria provided, single submitter. Criteria: Ambry Variant Classification Scheme 2023. Collection method: clinical testing. Allele origin: germline.
Comment: The p.N679D variant (also known as c.2035A>G), located in coding exon 10 of the BRCA2 gene, results from an A to G substitution at nucleotide position 2035. The asparagine at codon 679 is replaced by aspartic acid, an amino acid with highly similar properties. This amino acid position is conserved. In addition, this alteration is predicted to be tolerated by in silico analysis. Based on the available evidence, the clinical significance of this variant remains unclear.

University of Washington Department of Laboratory Medicine, University of Washington
Classification: Likely benign for Hereditary cancer-predisposing syndrome. Last evaluated: 2023-03-23. Review status: criteria provided, single submitter. Criteria: Dines et al. (Genet Med. 2020). Collection method: curation. Allele origin: germline.
Comment: Missense variant in a coldspot region where missense variants are very unlikely to be pathogenic (PMID:31911673).

BRCA2 exon 11 coldspot. Reclassification based on statistical prior probability.

Labcorp Genetics (formerly Invitae), Labcorp
Classification: Uncertain significance for Hereditary breast ovarian cancer syndrome. Last evaluated: 2017-11-10. Review status: criteria provided, single submitter. Criteria: Invitae Variant Classification Sherloc (09022015). Collection method: clinical testing. Allele origin: germline.
Comment: In summary, the available evidence is currently insufficient to determine the role of this variant in disease. Therefore, it has been classified as a Variant of Uncertain Significance. Algorithms developed to predict the effect of missense changes on protein structure and function (SIFT, PolyPhen-2, Align-GVGD) all suggest that this variant is likely to be tolerated, but these predictions have not been confirmed by published functional studies and their clinical significance is uncertain. This variant has not been reported in the literature in individuals with BRCA2-related disease. This variant is not present in population databases (ExAC no frequency). This sequence change replaces asparagine with aspartic acid at codon 679 of the BRCA2 protein (p.Asn679Asp). The asparagine residue is moderately conserved and there is a small physicochemical difference between asparagine and aspartic acid.